The following is an entry in ClinVar:

ClinVar aggregate classification (germline): Pathogenic (1 of 4 stars; one submission).

Conditions:
Actin accumulation myopathy (CMYO2A). Also called: CONGENITAL MYOPATHY 2A, TYPICAL, AUTOSOMAL DOMINANT; Nemaline myopathy type 3; Myopathy, actin, congenital, with excess of thin myofilaments; Myopathy, actin, congenital, with cores; Nemaline myopathy 3, with intranuclear rods. Identifiers: Orphanet 98904, MedGen C3711389, MONDO:0008070, OMIM 161800.

Submission:

Rady Children's Institute for Genomic Medicine, Rady Children's Hospital San Diego
Classification: Pathogenic for NEMALINE MYOPATHY 3. Last evaluated: 2019-03-19. Review status: criteria provided, single submitter. Criteria: ACMG Guidelines, 2015. Collection method: clinical testing. Allele origin: germline. Affected: yes. Observed: 1 variant allele.
Comment: This variant has not been previously reported or functionally characterized in the literature to our knowledge. It is absent from the ExAC and gnomAD population databases and thus is presumed to be rare. The c.489C>A p.His163Gln variant affects a highly conserved amino acid and is predicted by multiple in silico tools to have a deleterious effect on protein function. Analysis of the parental samples was negative for the variant, indicating this variant likely occurred as a de novo event. Based on the available evidence, the c.489C>A p.His163Gln variant is classified as pathogenic.

NM_001100.4(ACTA1):c.489C>A (p.His163Gln)

Gene: ACTA1 (actin alpha 1, skeletal muscle; minus strand). Cytogenetic location: 1q42.13.
Variant type: single nucleotide variant.
Coding change: c.489C>A on transcript NM_001100.4 (MANE Select); coding-DNA position 489, C replaced by A.
Protein change: p.His163Gln; replaces histidine 163 with glutamine.
Molecular consequence: missense variant.
Genome position (GRCh38, 1-based): chr1:229,432,397, G>T on the plus strand (C>A on the coding strand, the complement: ACTA1 is on the minus strand). VCF-style: chr1-229432397-G-T. GRCh37 (hg19) VCF-style: chr1-229568144-G-T.
Other names: short protein forms H163Q.
Identifiers: ClinVar variation 692085 (VCV000692085.1), dbSNP rs1571893383, ClinGen allele CA345148723.